The following is an entry in ClinVar:

ClinVar aggregate classification (germline): Uncertain significance (1 of 4 stars; one submission).

Conditions:
Developmental and epileptic encephalopathy 108 (DEE108). Identifiers: MedGen C5774253, MONDO:0859314, OMIM 620115.

Submission:

Institute of Human Genetics, University of Leipzig Medical Center
Classification: Uncertain significance for Developmental and epileptic encephalopathy 108. Last evaluated: 2025-03-04. Review status: criteria provided, single submitter. Criteria: ACMG Guidelines, 2015. Collection method: clinical testing. Allele origin: unknown. Inheritance: Autosomal dominant inheritance. Affected: yes.
Comment: Criteria applied: PM2,PP2,PP3

NM_001393504.1(MAST3):c.905T>C (p.Leu302Pro)

Gene: MAST3 (microtubule associated serine/threonine kinase 3; plus strand). Cytogenetic location: 19p13.11.
Variant type: single nucleotide variant.
Coding change: c.905T>C on transcript NM_001393504.1 (MANE Select); coding-DNA position 905, T replaced by C.
Protein change: p.Leu302Pro; replaces leucine 302 with proline.
Molecular consequence: missense variant.
Genome position (GRCh38, 1-based): chr19:18,124,326, T>C. VCF-style: chr19-18124326-T-C. GRCh37 (hg19) VCF-style: chr19-18235136-T-C.
Other names: c.929T>C, p.Leu310Pro (NM_001393501.1); c.908T>C, p.Leu303Pro (NM_001393502.1); c.905T>C, p.Leu302Pro (NM_001393503.1); c.902T>C, p.Leu301Pro (NM_001393505.1); c.857T>C, p.Leu286Pro (NM_001393506.1, NM_001393513.1); c.884T>C, p.Leu295Pro (NM_001393507.1); c.839T>C, p.Leu280Pro (NM_001393508.1, NM_001393516.1); c.836T>C, p.Leu279Pro (NM_001393509.1, NM_001393510.1, NM_001393512.1 and 2 more transcripts); and 4 more; short protein forms L264P, L272P, L273P, L278P, L279P, L280P, L286P, L295P.
Identifiers: ClinVar variation 3773722 (VCV003773722.2).
Genomic context (GRCh38, chr19:18,124,326, plus strand): 5'-CCCATGAGCGTTCGGACAGTGAGGAGGTCAGCTTCATCGTCCAGCTTGTCCGGAAACTGC[T>C]GATCATCATCTCACGGCCAGCTCGGCTGCTGGAGTGTCTGGTAAGTTTCTCTTTCTACGG-3'
Protein context (NP_001380433.1, residues 292-312): SFIVQLVRKL[Leu302Pro]IIISRPARLL